The following is an entry in ClinVar:

ClinVar aggregate classification (germline): Uncertain significance (1 of 4 stars; one submission).

Conditions:
Propionic acidemia (PROP). Also called: GLYCINEMIA, KETOTIC; HYPERGLYCINEMIA WITH KETOACIDOSIS AND LEUKOPENIA; KETOTIC HYPERGLYCINEMIA. Identifiers: Orphanet 35, MedGen C0268579, MONDO:0011628, OMIM 606054, HP:0003571.

gnomAD v4.1: 3 of 1,537,442 alleles (0.0002%); highest among the groups gnomAD compares: Non-Finnish European, 0.00026%; no homozygotes.

Submission:

Labcorp Genetics (formerly Invitae), Labcorp
Classification: Uncertain significance for Propionic acidemia. Last evaluated: 2022-05-11. Review status: criteria provided, single submitter. Criteria: Invitae Variant Classification Sherloc (09022015). Collection method: clinical testing. Allele origin: germline.
Comment: This sequence change replaces glutamine, which is neutral and polar, with proline, which is neutral and non-polar, at codon 628 of the PCCA protein (p.Gln628Pro). This variant is not present in population databases (gnomAD no frequency). This variant has not been reported in the literature in individuals affected with PCCA-related conditions. Advanced modeling of protein sequence and biophysical properties (such as structural, functional, and spatial information, amino acid conservation, physicochemical variation, residue mobility, and thermodynamic stability) performed at Invitae indicates that this missense variant is expected to disrupt PCCA protein function. In summary, the available evidence is currently insufficient to determine the role of this variant in disease. Therefore, it has been classified as a Variant of Uncertain Significance.

NM_000282.4(PCCA):c.1883A>C (p.Gln628Pro)

Gene: PCCA (propionyl-CoA carboxylase subunit alpha; plus strand). Cytogenetic location: 13q32.3.
Variant type: single nucleotide variant.
Coding change: c.1883A>C on transcript NM_000282.4 (MANE Select); coding-DNA position 1883, A replaced by C.
Protein change: p.Gln628Pro; replaces glutamine 628 with proline.
Molecular consequence: missense variant. On other transcripts: non-coding transcript variant (5), intron variant (2).
Genome position (GRCh38, 1-based): chr13:100,449,289, A>C. VCF-style: chr13-100449289-A-C. GRCh37 (hg19) VCF-style: chr13-101101543-A-C.
Other names: c.1805A>C, p.Gln602Pro (NM_001127692.3, NM_001352607.2); c.1883A>C, p.Gln628Pro (NM_001178004.2, NM_001352609.2); c.1739A>C, p.Gln580Pro (NM_001352606.2); c.1661A>C, p.Gln554Pro (NM_001352608.2); c.938A>C, p.Gln313Pro (NM_001352610.2); c.794A>C, p.Gln265Pro (NM_001352612.2); c.1845+23558A>C (NM_001352605.2); c.900+23558A>C (NM_001352611.2); short protein forms Q580P, Q313P, Q554P, Q265P, Q628P, Q602P.
Identifiers: ClinVar variation 1989497 (VCV001989497.1), dbSNP rs1251529811, ClinGen allele CA388696000.